The following is an entry in ClinVar:

ClinVar aggregate classification (germline): Uncertain significance (1 of 4 stars; one submission).

Conditions:
Cardiovascular phenotype. Identifiers: MedGen CN230736.

gnomAD v4.1: 1 of 1,614,078 alleles (0.000062%); highest among the groups gnomAD compares: Non-Finnish European, 0.000085%; no homozygotes.

Submission:

Ambry Genetics
Classification: Uncertain significance for Cardiovascular phenotype. Last evaluated: 2025-11-24. Review status: criteria provided, single submitter. Criteria: Ambry Variant Classification Scheme 2023. Collection method: clinical testing. Allele origin: germline.
Comment: The p.H344D variant (also known as c.1030C>G), located in coding exon 7 of the SPRED1 gene, results from a C to G substitution at nucleotide position 1030. The histidine at codon 344 is replaced by aspartic acid, an amino acid with similar properties. This amino acid position is conserved. In addition, the in silico prediction for this alteration is inconclusive. Based on the available evidence, the clinical significance of this variant remains unclear.

NM_152594.3(SPRED1):c.1030C>G (p.His344Asp)

Gene: SPRED1 (sprouty related EVH1 domain containing 1; plus strand). Cytogenetic location: 15q14.
Variant type: single nucleotide variant.
Coding change: c.1030C>G on transcript NM_152594.3 (MANE Select); coding-DNA position 1030, C replaced by G.
Protein change: p.His344Asp; replaces histidine 344 with aspartic acid.
Molecular consequence: missense variant.
Genome position (GRCh38, 1-based): chr15:38,351,359, C>G. VCF-style: chr15-38351359-C-G. GRCh37 (hg19) VCF-style: chr15-38643560-C-G.
Other names: short protein forms H344D.
Identifiers: ClinVar variation 4615037 (VCV004615037.1).